The following is an entry in ClinVar:

NM_001845.6(COL4A1):c.232A>G (p.Lys78Glu)

Gene: COL4A1 (collagen type IV alpha 1 chain; minus strand). Cytogenetic location: 13q34.
Variant type: single nucleotide variant.
Coding change: c.232A>G on transcript NM_001845.6 (MANE Select); coding-DNA position 232, A replaced by G.
Protein change: p.Lys78Glu; replaces lysine 78 with glutamic acid.
Molecular consequence: missense variant.
Genome position (GRCh38, 1-based): chr13:110,213,928, T>C on the plus strand (A>G on the coding strand, the complement: COL4A1 is on the minus strand). VCF-style: chr13-110213928-T-C. GRCh37 (hg19) VCF-style: chr13-110866275-T-C.
Other names: c.232A>G, p.Lys78Glu (NM_001303110.2); short protein forms K78E.
Identifiers: ClinVar variation 3716945 (VCV003716945.2).

ClinVar aggregate classification (germline): Uncertain significance (1 of 4 stars; one submission).

Submission:

Labcorp Genetics (formerly Invitae), Labcorp
Classification: Uncertain significance. Last evaluated: 2024-02-01. Review status: criteria provided, single submitter. Criteria: Invitae Variant Classification Sherloc (09022015). Collection method: clinical testing. Allele origin: germline.
Comment: This sequence change replaces lysine, which is basic and polar, with glutamic acid, which is acidic and polar, at codon 78 of the COL4A1 protein (p.Lys78Glu). This variant is not present in population databases (gnomAD no frequency). This variant has not been reported in the literature in individuals affected with COL4A1-related conditions. Experimental studies and prediction algorithms are not available or were not evaluated, and the functional significance of this variant is currently unknown. In summary, the available evidence is currently insufficient to determine the role of this variant in disease. Therefore, it has been classified as a Variant of Uncertain Significance.